The following is an entry in ClinVar:

ClinVar aggregate classification (germline): Uncertain significance (1 of 4 stars; one submission).

Conditions:
Hereditary spastic paraplegia 39 (SPG39). Also called: SPASTIC PARAPLEGIA 39, AUTOSOMAL RECESSIVE; Spastic Paraplegia Type 39 (SPG39). Identifiers: Orphanet 139480, MedGen C2677586, MONDO:0012787, OMIM 612020.

Submission:

Labcorp Genetics (formerly Invitae), Labcorp
Classification: Uncertain significance for Hereditary spastic paraplegia 39. Last evaluated: 2019-12-19. Review status: criteria provided, single submitter. Criteria: Invitae Variant Classification Sherloc (09022015). Collection method: clinical testing. Allele origin: germline.
Comment: This sequence change affects codon 685 of the PNPLA6 mRNA. It is a 'silent' change, meaning that it does not change the encoded amino acid sequence of the PNPLA6 protein. The frequency data for this variant in the population databases is considered unreliable, as metrics indicate insufficient coverage at this position in the ExAC database. This variant has not been reported in the literature in individuals with PNPLA6-related conditions. Algorithms developed to predict the effect of sequence changes on RNA splicing suggest that this variant may create or strengthen a splice site, but this prediction has not been confirmed by published transcriptional studies. In summary, the available evidence is currently insufficient to determine the role of this variant in disease. Therefore, it has been classified as a Variant of Uncertain Significance.

NM_001166114.2(PNPLA6):c.2172C>T (p.Arg724=)

Gene: PNPLA6 (patatin like domain 6, lysophospholipase; plus strand). Cytogenetic location: 19p13.2.
Variant type: single nucleotide variant.
Coding change: c.2172C>T on transcript NM_001166114.2 (MANE Select); coding-DNA position 2172, C replaced by T.
Protein change: p.Arg724=; no amino-acid change (arginine 724 retained).
Molecular consequence: synonymous variant.
Genome position (GRCh38, 1-based): chr19:7,551,095, C>T. VCF-style: chr19-7551095-C-T. GRCh37 (hg19) VCF-style: chr19-7615981-C-T.
Other names: c.2199C>T, p.Arg733= (NM_001166111.2); c.1977C>T, p.Arg659= (NM_001166112.2); c.2055C>T, p.Arg685= (NM_001166113.1, NM_006702.5).
Identifiers: ClinVar variation 863823 (VCV000863823.9), dbSNP rs2023623281, ClinGen allele CA505242457.